The following is an entry in ClinVar:

NM_021096.4(CACNA1I):c.2349T>G (p.Ile783Met)

Gene: CACNA1I (calcium voltage-gated channel subunit alpha1 I; plus strand). Cytogenetic location: 22q13.1.
Variant type: single nucleotide variant.
Coding change: c.2349T>G on transcript NM_021096.4 (MANE Select); coding-DNA position 2349, T replaced by G.
Protein change: p.Ile783Met; replaces isoleucine 783 with methionine.
Molecular consequence: missense variant.
Genome position (GRCh38, 1-based): chr22:39,659,451, T>G. VCF-style: chr22-39659451-T-G. GRCh37 (hg19) VCF-style: chr22-40055456-T-G.
Other names: c.2244T>G, p.Ile748Met (NM_001003406.2); short protein forms I748M, I783M.
Identifiers: ClinVar variation 3777570 (VCV003777570.1).
Genomic context (GRCh38, chr22:39,659,451, plus strand): 5'-GGTGCATGTGAGTCCGATGAGCCTCTTCCATCCTTTCCCCAGCATCCTTGGGATGCATAT[T>G]TTTGGCTGCAAGTTCAGCCTCCGCACGGACACTGGAGACACGGTGCCCGACAGGAAGAAC-3'
Protein context (NP_066919.2, residues 773-793): IFIFSILGMH[Ile783Met]FGCKFSLRTD

ClinVar aggregate classification (germline): Uncertain significance (1 of 4 stars; one submission).

Submission:

GeneDx
Classification: Uncertain significance. Last evaluated: 2024-10-08. Review status: criteria provided, single submitter. Criteria: GeneDx Variant Classification Process June 2021. Collection method: clinical testing. Allele origin: germline. Affected: yes.
Comment: Not observed at significant frequency in large population cohorts (gnomAD); In silico analysis indicates that this missense variant does not alter protein structure/function; Has not been previously published as pathogenic or benign to our knowledge